The following is an entry in ClinVar:

NM_001267550.2(TTN):c.13174A>T (p.Arg4392Ter)

Gene: TTN (titin; minus strand). Cytogenetic location: 2q31.2.
Variant type: single nucleotide variant.
Coding change: c.13174A>T on transcript NM_001267550.2 (MANE Select); coding-DNA position 13174, A replaced by T.
Protein change: p.Arg4392Ter; replaces arginine 4392 with a stop codon.
Molecular consequence: nonsense. On other transcripts: intron variant (1).
Genome position (GRCh38, 1-based): chr2:178,740,059, T>A on the plus strand (A>T on the coding strand, the complement: TTN is on the minus strand). VCF-style: chr2-178740059-T-A. GRCh37 (hg19) VCF-style: chr2-179604786-T-A.
Other names: c.12223A>T, p.Arg4075Ter (NM_001256850.1); c.12085A>T, p.Arg4029Ter (NM_003319.4); c.12460A>T, p.Arg4154Ter (NM_133432.3); c.12661A>T, p.Arg4221Ter (NM_133437.4); c.10361-1699A>T (NM_133378.4); short protein forms R4075*, R4221*, R4392*, R4029*, R4154*.
Identifiers: ClinVar variation 1749170 (VCV001749170.5), dbSNP rs2530637215, ClinGen allele CA349609059.
Genomic context (GRCh38, chr2:178,740,059, plus strand): 5'-GCTGCTCGCTGGCCACGGCTGCTTGCAAAGCCCGGCAGATTTGAATTTTCAGGTTTAATC[T>A]CTGCTCTTCTGGAATACCAGAAAGCAAGCTTTCCTTAGAAAGAAGGTCCCTTCCCTGTAC-3'

ClinVar aggregate classification (germline): Likely pathogenic. Review status: criteria provided, multiple submitters, no conflicts (2 of 4 stars). 3 submissions from 3 submitters: Likely pathogenic (3). Last evaluated 2025-11-24.

Conditions:
Autosomal recessive limb-girdle muscular dystrophy type 2J (LGMDR10). Also called: Limb-girdle muscular dystrophy, type 2J; MUSCULAR DYSTROPHY, LIMB-GIRDLE, AUTOSOMAL RECESSIVE 10. Identifiers: Orphanet 140922, MedGen C1837342, MONDO:0012127, OMIM 608807.
Dilated cardiomyopathy 1G (CMD1G). Identifiers: Orphanet 154, MedGen C1858763, MONDO:0011400, OMIM 604145.
Cardiovascular phenotype. Identifiers: MedGen CN230736.

Submissions (3):

Labcorp Genetics (formerly Invitae), Labcorp
Classification: Likely pathogenic for Dilated cardiomyopathy 1G; Autosomal recessive limb-girdle muscular dystrophy type 2J. Last evaluated: 2025-11-24. Review status: criteria provided, single submitter. Criteria: Invitae Variant Classification Sherloc (09022015). Collection method: clinical testing. Allele origin: germline.
Comment: This sequence change creates a premature translational stop signal (p.Arg4392*) in the TTN gene. While this is not anticipated to result in nonsense mediated decay, it is expected to create a truncated TTN protein. This variant is not present in population databases (gnomAD no frequency). This variant has not been reported in the literature in individuals affected with TTN-related conditions. ClinVar contains an entry for this variant (Variation ID: 1749170). This variant is located in the I band of TTN (PMID: 25589632). Truncating variants in this region have been reported in individuals affected with autosomal recessive centronuclear myopathy (PMID: 23975875, internal data). Truncating variants in this region have also been identified in individuals affected with autosomal dominant dilated cardiomyopathy and/or cardio-related conditions (PMID: 27869827, 32964742, internal data). In summary, the currently available evidence indicates that the variant is pathogenic, but additional data are needed to prove that conclusively. Therefore, this variant has been classified as Likely Pathogenic.

Victorian Clinical Genetics Services, Murdoch Childrens Research Institute
Classification: Likely pathogenic for Dilated cardiomyopathy 1G. Last evaluated: 2023-12-21. Review status: criteria provided, single submitter. Criteria: ACMG Guidelines, 2015. Collection method: clinical testing. Allele origin: germline. Inheritance: Autosomal dominant inheritance. Affected: yes.
Comment: Based on the classification scheme VCGS_Germline_v1.3.4, this variant is classified as Likely pathogenic. Following criteria are met: 0102 - Loss of function is known mechanism of disease in this gene. In addition, dominant-negative is also a suggested mechanism. (PMID: 25589632). (I) 0108 - This gene is associated with both recessive and dominant disease (OMIM). (I) 0112 - The condition associated with this gene has incomplete penetrance. Variants in this gene that result in a premature truncating codon (PTC) are known to have reduced penetrance in DCM (PMID: 25589632). (I) 0201 - Variant is predicted to cause nonsense-mediated decay (NMD) and loss of protein (premature termination codon is located at least 54 nucleotides upstream of the final exon-exon junction). (SP) 0251 - This variant is heterozygous. (I) 0301 - Variant is absent from gnomAD (both v2 and v3). (SP) 0600 - Variant is located in the annotated I-band with an exon PSI score of 100% (PMID: 25589632). (I) 0702 - Other NMD-predicted variants comparable to the one identified in this case have strong previous evidence for pathogenicity (DECIPHER). (SP) 0803 - This variant has limited previous evidence of pathogenicity in unrelated individuals. This variant has been classified as likely pathogenic by a diagnostic laboratory (ClinVar). Additionally, VCGS has identified this variant in two individuals with DCM. (SP) 0906 - Segregation evidence for this variant is conflicting. (I) 1007 - No published functional evidence has been identified for this variant. (I) 1208 - Inheritance information for this variant is not currently available in this individual. (I) Legend: (SP) - Supporting pathogenic, (I) - Information, (SB) - Supporting benign

Ambry Genetics
Classification: Likely pathogenic for Cardiovascular phenotype. Last evaluated: 2022-10-13. Review status: criteria provided, single submitter. Criteria: Ambry Variant Classification Scheme 2023. Collection method: clinical testing. Allele origin: germline.
Comment: The p.R4029* variant (also known as c.12085A>T), located in coding exon 44 of the TTN gene, results from an A to T substitution at nucleotide position 12085. This changes the amino acid from an arginine to a stop codon within coding exon 44. This exon is located in the I-band region of the N2-B isoform of the titin protein and is constitutively expressed in TTN transcripts (percent spliced in or PSI 100%). This variant is considered to be rare based on population cohorts in the Genome Aggregation Database (gnomAD). This alteration is expected to result in loss of function by premature protein truncation or nonsense-mediated mRNA decay. While truncating variants in TTN are present in 1-3% of the general population, truncating variants in the A-band are the most common cause of dilated cardiomyopathy (DCM) (Herman DS et al. N. Engl. J. Med., 2012 Feb;366:619-28; Roberts AM et al. Sci Transl Med, 2015 Jan;7:270ra6). TTN truncating variants encoded in constitutive exons (PSI >90%) have been found to be significantly associated with DCM regardless of their position in titin (Schafer S et al. Nat. Genet., 2017 01;49:46-53). Based on the majority of available evidence to date, this variant is likely to be pathogenic.

Literature cited by the submitters: PubMed 25589632 (cited by Labcorp Genetics (formerly Invitae), Labcorp and Victorian Clinical Genetics Services, Murdoch Childrens Research Institute); PubMed 23975875 (cited by Labcorp Genetics (formerly Invitae), Labcorp); PubMed 27869827 (cited by Labcorp Genetics (formerly Invitae), Labcorp); PubMed 32964742 (cited by Labcorp Genetics (formerly Invitae), Labcorp).